The following is an entry in ClinVar:

NM_000264.5(PTCH1):c.959C>T (p.Ala320Val)

Gene: PTCH1 (patched 1; minus strand). Cytogenetic location: 9q22.32.
Variant type: single nucleotide variant.
Coding change: c.959C>T on transcript NM_000264.5 (MANE Select); coding-DNA position 959, C replaced by T.
Protein change: p.Ala320Val; replaces alanine 320 with valine.
Molecular consequence: missense variant. On other transcripts: non-coding transcript variant (1).
Genome position (GRCh38, 1-based): chr9:95,480,077, G>A on the plus strand (C>T on the coding strand, the complement: PTCH1 is on the minus strand). VCF-style: chr9-95480077-G-A. GRCh37 (hg19) VCF-style: chr9-98242359-G-A.
Other names: c.761C>T, p.Ala254Val (NM_001083602.3); c.956C>T, p.Ala319Val (NM_001083603.3); c.506C>T, p.Ala169Val (NM_001083604.3, NM_001083605.3, NM_001083606.3 and 1 more transcripts); c.959C>T, p.Ala320Val (NM_001354918.2); c.959C>T (NM_000264.3); short protein forms A254V, A169V, A319V, A320V.
Identifiers: ClinVar variation 1485510 (VCV001485510.8), dbSNP rs2118395686, ClinGen allele CA374119794.

ClinVar aggregate classification (germline): Uncertain significance. Review status: criteria provided, multiple submitters, no conflicts (2 of 4 stars). 3 submissions from 3 submitters: Uncertain significance (3). Last evaluated 2025-07-01.

Conditions:
Hereditary cancer-predisposing syndrome. Also called: Neoplastic Syndromes, Hereditary; Tumor predisposition; Hereditary neoplastic syndrome; Hereditary Cancer Syndrome. Identifiers: Orphanet 140162, MedGen C0027672, MeSH D009386, MONDO:0015356.
Gorlin syndrome. Also called: Nevoid Basal Cell Carcinoma Syndrome; Basal cell nevus syndrome. Identifiers: Orphanet 377, MedGen C0004779, MONDO:0007187.

Allele frequency attached by ClinVar (database versions not stated): gnomAD exomes below 0.00001.
gnomAD v4.1: 1 of 1,613,850 alleles (0.000062%); highest among the groups gnomAD compares: Non-Finnish European, 0.000085%; no homozygotes.

Submissions (3):

Ambry Genetics
Classification: Uncertain significance for Hereditary cancer-predisposing syndrome. Last evaluated: 2025-07-01. Review status: criteria provided, single submitter. Criteria: Ambry Variant Classification Scheme 2023. Collection method: clinical testing. Allele origin: germline.
Comment: The p.A320V variant (also known as c.959C>T), located in coding exon 7 of the PTCH1 gene, results from a C to T substitution at nucleotide position 959. The alanine at codon 320 is replaced by valine, an amino acid with similar properties. This amino acid position is highly conserved in available vertebrate species. In addition, the in silico prediction for this alteration is inconclusive. Based on the available evidence, the clinical significance of this variant remains unclear.

Labcorp Genetics (formerly Invitae), Labcorp
Classification: Uncertain significance for Gorlin syndrome. Last evaluated: 2025-04-22. Review status: criteria provided, single submitter. Criteria: Invitae Variant Classification Sherloc (09022015). Collection method: clinical testing. Allele origin: germline.
Comment: This sequence change replaces alanine, which is neutral and non-polar, with valine, which is neutral and non-polar, at codon 320 of the PTCH1 protein (p.Ala320Val). This variant is not present in population databases (gnomAD no frequency). This variant has not been reported in the literature in individuals affected with PTCH1-related conditions. ClinVar contains an entry for this variant (Variation ID: 1485510). Invitae Evidence Modeling of protein sequence and biophysical properties (such as structural, functional, and spatial information, amino acid conservation, physicochemical variation, residue mobility, and thermodynamic stability) indicates that this missense variant is not expected to disrupt PTCH1 protein function with a negative predictive value of 95%. In summary, the available evidence is currently insufficient to determine the role of this variant in disease. Therefore, it has been classified as a Variant of Uncertain Significance.

GeneDx
Classification: Uncertain significance. Last evaluated: 2023-07-05. Review status: criteria provided, single submitter. Criteria: GeneDx Variant Classification Process June 2021. Collection method: clinical testing. Allele origin: germline. Affected: yes.
Comment: Not observed at significant frequency in large population cohorts (gnomAD); In silico analysis supports that this missense variant has a deleterious effect on protein structure/function; Has not been previously published as pathogenic or benign to our knowledge; This variant is associated with the following publications: (PMID: 8906794)